The following is an entry in ClinVar:

NM_001139.3(ALOX12B):c.982G>A (p.Glu328Lys)

Gene: ALOX12B (arachidonate 12-lipoxygenase, 12R type; minus strand). Cytogenetic location: 17p13.1.
Variant type: single nucleotide variant.
Coding change: c.982G>A on transcript NM_001139.3 (MANE Select); coding-DNA position 982, G replaced by A.
Protein change: p.Glu328Lys; replaces glutamic acid 328 with lysine.
Molecular consequence: missense variant.
Genome position (GRCh38, 1-based): chr17:8,079,485, C>T on the plus strand (G>A on the coding strand, the complement: ALOX12B is on the minus strand). VCF-style: chr17-8079485-C-T. GRCh37 (hg19) VCF-style: chr17-7982803-C-T.
Other names: short protein forms E328K.
Identifiers: ClinVar variation 1428614 (VCV001428614.8), dbSNP rs1323203377, ClinGen allele CA397993304.
Genomic context (GRCh38, chr17:8,079,485, plus strand): 5'-CGGGTCCAAAGTGCAGCAGGCAGAGGGGGGCGCAGTGGTGCTGCTTCCGGCCGCTGAGCT[C>T]CACGGTGGGGATGCCCTCCATGATGCGGTAGTCGGCCAGGTAAATGTTCCCCTTCTGGAG-3'
Protein context (NP_001130.1, residues 318-338): YRIMEGIPTV[Glu328Lys]LSGRKQHHCA

ClinVar aggregate classification (germline): Uncertain significance (1 of 4 stars; one submission).

Allele frequency attached by ClinVar (database versions not stated): TOPMed below 0.00001.

Submission:

Labcorp Genetics (formerly Invitae), Labcorp
Classification: Uncertain significance. Last evaluated: 2021-06-29. Review status: criteria provided, single submitter. Criteria: Invitae Variant Classification Sherloc (09022015). Collection method: clinical testing. Allele origin: germline.
Comment: In summary, the available evidence is currently insufficient to determine the role of this variant in disease. Therefore, it has been classified as a Variant of Uncertain Significance. Advanced modeling of protein sequence and biophysical properties (such as structural, functional, and spatial information, amino acid conservation, physicochemical variation, residue mobility, and thermodynamic stability) performed at Invitae indicates that this missense variant is not expected to disrupt ALOX12B protein function. This variant has not been reported in the literature in individuals with ALOX12B-related conditions. This variant is not present in population databases (ExAC no frequency). This sequence change replaces glutamic acid with lysine at codon 328 of the ALOX12B protein (p.Glu328Lys). The glutamic acid residue is moderately conserved and there is a small physicochemical difference between glutamic acid and lysine.